The following is an entry in ClinVar:

ClinVar aggregate classification (germline): Pathogenic/Likely pathogenic. Review status: criteria provided, multiple submitters, no conflicts (2 of 4 stars). 10 submissions from 10 submitters: Pathogenic (6); Likely pathogenic (1). 3 of the submissions do not count toward it. Last evaluated 2025-12-17.

Conditions:
EYS-related disorder. Also called: EYS-related condition.
Retinal dystrophy. Also called: Inherited retinal dystrophy. Identifiers: Orphanet 71862, MedGen C0854723, MeSH D058499, MONDO:0019118, HP:0000556.
Retinitis pigmentosa (RP). Identifiers: Orphanet 791, MedGen C0035334, MeSH D012174, MONDO:0019200, OMIM 268000. Inheritance: Autosomal dominant, autosomal recessive and X linked inheritance.
Retinitis pigmentosa 25 (RP25). Identifiers: Orphanet 791, MedGen C1864446, MONDO:0011272, OMIM 602772.

Allele frequency attached by ClinVar (database versions not stated): TOPMed 0.00003; ESP Exome Variant Server 0.00008; 1000 Genomes Project 30x 0.00047; 1000 Genomes Project 0.00060; gnomAD 0.00062 and 0.00064; gnomAD exomes 0.00068; ExAC 0.00074.
gnomAD v4.1: 456 of 1,529,032 alleles (0.03%); highest among the groups gnomAD compares: Non-Finnish European, 0.005%; 1 homozygote.

Submissions (10):

Labcorp Genetics (formerly Invitae), Labcorp
Classification: Pathogenic. Last evaluated: 2025-12-17. Review status: criteria provided, single submitter. Criteria: Invitae Variant Classification Sherloc (09022015). Collection method: clinical testing. Allele origin: germline.
Comment: This sequence change creates a premature translational stop signal (p.Cys385*) in the EYS gene. It is expected to result in an absent or disrupted protein product. Loss-of-function variants in EYS are known to be pathogenic (PMID: 18836446, 20333770). This variant is present in population databases (rs143994166, gnomAD 0.6%), and has an allele count higher than expected for a pathogenic variant. This premature translational stop signal has been observed in individual(s) with retinitis pigmentosa (PMID: 27208204, 28704921). ClinVar contains an entry for this variant (Variation ID: 236447). For these reasons, this variant has been classified as Pathogenic.

3billion
Classification: Pathogenic for Retinitis pigmentosa 25. Last evaluated: 2025-09-16. Review status: criteria provided, single submitter. Criteria: ACMG Guidelines, 2015. Collection method: clinical testing. Allele origin: germline. Affected: yes.
Comment: The variant is observed at an extremely low frequency in the gnomAD v4.1.0 dataset (total allele frequency: 0.030%). Predicted Consequence/Location: Stop-gained (nonsense): predicted to result in a loss or disruption of normal protein function through nonsense-mediated decay (NMD) or protein truncation. Multiple pathogenic variants are reported downstream of the variant. The variant has been reported at least twice as pathogenic with clinical assertions and evidence for the classification (ClinVar ID: VCV000236447). Therefore, this variant is classified as Pathogenic according to the recommendation of ACMG/AMP guideline.

Natera, Inc.
Classification: Pathogenic for Retinitis pigmentosa type 25. Last evaluated: 2025-06-16. Review status: criteria provided, single submitter. Criteria: Natera Variant Classification Schema (03/2026). Collection method: clinical testing. Allele origin: germline.
Comment: The c.1155T>A variant in EYS is a nonsense variant predicted to introduce a stop codon at amino acid 385. This variant is expected to result in nonsense mediated decay, truncation, or a dysfunctional protein product. This variant is rare in the general population with a frequency below the threshold expected for the associated phenotype(s). This variant has been observed in at least one unaffected individual, with a zygosity that is consistent with the inheritance pattern for the associated condition (in gnomAD and/or literature). This variant has been observed in one or more individuals affected with the associated recessive disease, as either homozygous or compound heterozygous with a second variant (PMID: 27208204, 28704921, 33833316). Given the available evidence, this variant is classified as Pathogenic.

Blueprint Genetics
Classification: Pathogenic for EYS-related disorders. Last evaluated: 2024-11-07. Review status: criteria provided, single submitter. Criteria: ACMG Guidelines, 2015. Collection method: clinical testing. Allele origin: germline. Affected: yes. Observed: 5 variant alleles.

Women's Health and Genetics/Laboratory Corporation of America, LabCorp
Classification: Pathogenic for Retinitis pigmentosa. Last evaluated: 2024-01-12. Review status: criteria provided, single submitter. Criteria: LabCorp Variant Classification Summary - May 2015. Collection method: clinical testing. Allele origin: germline.
Comment: Variant summary: EYS c.1155T>A (p.Cys385X) results in a premature termination codon, predicted to cause a truncation of the encoded protein or absence of the protein due to nonsense mediated decay, which are commonly known mechanisms for disease. The variant allele was found at a frequency of 0.00068 in 250020 control chromosomes. c.1155T>A has been reported in the literature in multiple individuals affected with Retinitis Pigmentosa (e.g., McGuigan_2017). The following publication has been ascertained in the context of this evaluation (PMID: 28704921). ClinVar contains an entry for this variant (Variation ID: 236447). Based on the evidence outlined above, the variant was classified as pathogenic.

Revvity Omics, Revvity
Classification: Pathogenic for Retinitis pigmentosa 25. Last evaluated: 2023-06-23. Review status: criteria provided, single submitter. Criteria: ACMG Guidelines, 2015. Collection method: clinical testing. Allele origin: germline.

Genetics and Molecular Pathology, SA Pathology
Classification: Likely pathogenic for Retinitis pigmentosa 25. Last evaluated: 2021-02-19. Review status: criteria provided, single submitter. Criteria: ACMG Guidelines, 2015. Collection method: clinical testing. Allele origin: germline. Affected: yes.

Reproductive Health Research and Development, BGI Genomics
Classification: Pathogenic for Retinitis pigmentosa 25. Last evaluated: 2020-01-06. Review status: no assertion criteria provided. Collection method: curation. Allele origin: germline. Not counted in ClinVar's aggregate classification.
Comment: NM_001142800.1:c.1155T>A in the EYS gene has an allele frequency of 0.006 in European (Finnish) subpopulation in the gnomAD database. The EYS c.1155T>A (p.Cys385*) variant results in a premature termination codon, predicted to cause a truncated or absent EYS protein due to nonsense mediated decay. This variant has been observed in a patient with retinitis pigmentosa, in a compound heterozygous state with c.8648_8655delCATGCAGA (p.Thr2883Lysfs*4) (PMID: 28704921). Taken together, we interprete this variant as Pathogenic/Likely pathogenic. ACMG/AMP Criteria applied: PVS1; PM3; PP4.

Counsyl
Classification: Pathogenic for Retinitis pigmentosa 25. Last evaluated: 2018-01-03. Review status: no assertion criteria provided. Collection method: clinical testing. Allele origin: unknown. Not counted in ClinVar's aggregate classification.

Centre for Genomic Medicine, Manchester, Central Manchester University Hospitals
Classification: Likely pathogenic for Retinal dystrophy. Review status: no assertion criteria provided. Collection method: clinical testing. Allele origin: germline. Affected: yes. Not counted in ClinVar's aggregate classification.

Literature cited by the submitters: PubMed 18836446 (cited by Labcorp Genetics (formerly Invitae), Labcorp); PubMed 20333770 (cited by Labcorp Genetics (formerly Invitae), Labcorp); PubMed 27208204 (cited by 3 submitters); PubMed 28704921 (cited by 4 submitters); PubMed 33833316 (cited by Natera, Inc.).

NM_001142800.2(EYS):c.1155T>A (p.Cys385Ter)

Gene: EYS (EGF-like photoreceptor maintenance factor; minus strand). Cytogenetic location: 6q12.
Variant type: single nucleotide variant.
Coding change: c.1155T>A on transcript NM_001142800.2 (MANE Select); coding-DNA position 1155, T replaced by A.
Protein change: p.Cys385Ter; replaces cysteine 385 with a stop codon.
Molecular consequence: nonsense.
Genome position (GRCh38, 1-based): chr6:65,402,507, A>T on the plus strand (T>A on the coding strand, the complement: EYS is on the minus strand). VCF-style: chr6-65402507-A-T. GRCh37 (hg19) VCF-style: chr6-66112400-A-T.
Other names: c.1155T>A, p.Cys385Ter (NM_001142801.2, NM_001292009.2, NM_198283.2); short protein forms C385*.
Identifiers: ClinVar variation 236447 (VCV000236447.26), dbSNP rs143994166, ClinGen allele CA3877854.